The following is an entry in ClinVar:

ClinVar aggregate classification (germline): Uncertain significance (1 of 4 stars; one submission).

Submission:

Women's Health and Genetics/Laboratory Corporation of America, LabCorp
Classification: Uncertain significance. Last evaluated: 2026-05-06. Review status: criteria provided, single submitter. Criteria: LabCorp Variant Classification Summary - May 2015. Collection method: clinical testing. Allele origin: germline.
Comment: Variant summary: CAMTA1 c.4582G>A (p.Ala1528Thr) results in a non-conservative amino acid change in the encoded protein sequence. Algorithms developed to predict the effect of missense changes on protein structure and function all suggest that this variant is likely to be disruptive. The variant was absent in 251376 control chromosomes. The available data on variant occurrences in the general population are insufficient to allow any conclusion about variant significance. To our knowledge, no occurrence of c.4582G>A in individuals affected with CAMTA1-related conditions and no experimental evidence demonstrating its impact on protein function have been reported. No submitters have cited clinical-significance assessments for this variant to ClinVar. Based on the evidence outlined above, the variant was classified as uncertain significance.

NM_015215.4(CAMTA1):c.4582G>A (p.Ala1528Thr)

Gene: CAMTA1 (calmodulin binding transcription activator 1; plus strand). Cytogenetic location: 1p36.23.
Variant type: single nucleotide variant.
Coding change: c.4582G>A on transcript NM_015215.4 (MANE Select); coding-DNA position 4582, G replaced by A.
Protein change: p.Ala1528Thr; replaces alanine 1528 with threonine.
Molecular consequence: missense variant.
Genome position (GRCh38, 1-based): chr1:7,746,056, G>A. VCF-style: chr1-7746056-G-A. GRCh37 (hg19) VCF-style: chr1-7806116-G-A.
Other names: c.1654G>A, p.Ala552Thr (NM_001349615.2, NM_001349616.2, NM_001349617.1 and 2 more transcripts); c.1315G>A, p.Ala439Thr (NM_001349619.2, NM_001349620.1, NM_001349621.1 and 5 more transcripts); c.4243G>A, p.Ala1415Thr (NM_001410737.1, NM_001349609.2, NM_001349610.2); c.4171G>A, p.Ala1391Thr (NM_001410738.1); c.4492G>A, p.Ala1498Thr (NM_001349608.2); c.4153G>A, p.Ala1385Thr (NM_001349612.2); c.1711G>A, p.Ala571Thr (NM_001349613.1); short protein forms A1385T, A1391T, A1415T, A1498T, A1528T, A439T, A552T, A571T.
Identifiers: ClinVar variation 4853530 (VCV004853530.1).